The following is an entry in ClinVar:

ClinVar aggregate classification (germline): Benign/Likely benign. Review status: criteria provided, multiple submitters, no conflicts (2 of 4 stars). 5 submissions from 5 submitters: Benign (2); Likely benign (3). Last evaluated 2025-12-24.

Conditions:
Tuberous sclerosis 2 (TSC2). Identifiers: Orphanet 805, MedGen C1860707, MONDO:0013199, OMIM 613254.
Tuberous sclerosis syndrome (TSC). Also called: Tuberous sclerosis; Tuberous Sclerosis Complex. Identifiers: Orphanet 805, MedGen C0041341, MONDO:0001734.

Allele frequency attached by ClinVar (database versions not stated): gnomAD exomes 0.00004; TOPMed 0.00004; gnomAD 0.00005; ExAC 0.00007.
gnomAD v4.1: 41 of 1,610,338 alleles (0.0025%); highest among the groups gnomAD compares: South Asian, 0.011%; no homozygotes.

Submissions (5):

Labcorp Genetics (formerly Invitae), Labcorp
Classification: Likely benign for Tuberous sclerosis 2. Last evaluated: 2025-12-24. Review status: criteria provided, single submitter. Criteria: Invitae Variant Classification Sherloc (09022015). Collection method: clinical testing. Allele origin: germline.

Blueprint Genetics
Classification: Likely benign. Last evaluated: 2024-04-08. Review status: criteria provided, single submitter. Criteria: ACMG Guidelines, 2015. Collection method: clinical testing. Allele origin: germline.

Genome-Nilou Lab
Classification: Benign for Tuberous sclerosis 2. Last evaluated: 2021-11-07. Review status: criteria provided, single submitter. Criteria: ACMG Guidelines, 2015. Collection method: clinical testing. Allele origin: germline. Affected: no.

Illumina Laboratory Services, Illumina
Classification: Likely benign for Tuberous sclerosis syndrome. Last evaluated: 2018-01-12. Review status: criteria provided, single submitter. Criteria: ICSL Variant Classification Criteria 13 December 2019. Collection method: clinical testing. Allele origin: germline.
Comment: This variant was observed in the ICSL laboratory as part of a predisposition screen in an ostensibly healthy population. It had not been previously curated by ICSL or reported in the Human Gene Mutation Database (HGMD: prior to June 1st, 2018), and was therefore a candidate for classification through an automated scoring system. Utilizing variant allele frequency, disease prevalence and penetrance estimates, and inheritance mode, an automated score was calculated to assess if this variant is too frequent to cause the disease. Based on the score and internal cut-off values, a variant classified as likely benign is not then subjected to further curation. The score for this variant resulted in a classification of likely benign for this disease.

GeneDx
Classification: Benign. Last evaluated: 2015-05-06. Review status: criteria provided, single submitter. Criteria: GeneDx Variant Classification (06012015). Collection method: clinical testing. Allele origin: germline. Affected: yes.
Comment: This variant is considered likely benign or benign based on one or more of the following criteria: it is a conservative change, it occurs at a poorly conserved position in the protein, it is predicted to be benign by multiple in silico algorithms, and/or has population frequency not consistent with disease.

NM_000548.5(TSC2):c.4849+13G>A

Gene: TSC2 (TSC complex subunit 2; plus strand). Cytogenetic location: 16p13.3.
Variant type: single nucleotide variant.
Coding change: c.4849+13G>A on transcript NM_000548.5 (MANE Select); 13 bases into the intron after coding-DNA position 4849, G replaced by A.
Molecular consequence: intron variant.
Genome position (GRCh38, 1-based): chr16:2,086,392, G>A. VCF-style: chr16-2086392-G-A. GRCh37 (hg19) VCF-style: chr16-2136393-G-A.
Other names: c.4780+13G>A (NM_001114382.3); c.4720+13G>A (NM_021055.3, NM_001370405.1); c.4651+13G>A (NM_001363528.2); c.4717+13G>A (NM_001370404.1); c.4648+13G>A (NM_001077183.3); c.4540+13G>A (NM_001318827.2); c.4117+13G>A (NM_001318831.2); c.4504+13G>A (NM_001318829.2); and 1 more.
Identifiers: ClinVar variation 318333 (VCV000318333.15), dbSNP rs780953278, ClinGen allele CA052740.